The following is an entry in ClinVar:

ClinVar aggregate classification (germline): Likely benign. Review status: criteria provided, multiple submitters, no conflicts (2 of 4 stars). 4 submissions from 4 submitters: Likely benign (4). Last evaluated 2026-01-27.

Conditions:
SLC25A38-related disorder. Also called: SLC25A38-related disorders; SLC25A38-related condition.

Allele frequency attached by ClinVar (database versions not stated): ESP Exome Variant Server 0.00031; gnomAD exomes 0.00033 and 0.00034; ExAC 0.00036; gnomAD 0.00038 and 0.00040; TOPMed 0.00049; 1000 Genomes Project 0.00080; 1000 Genomes Project 30x 0.00094.
gnomAD v4.1: 547 of 1,614,108 alleles (0.034%); highest among the groups gnomAD compares: Admixed American, 0.14%; no homozygotes.

Submissions (4):

Labcorp Genetics (formerly Invitae), Labcorp
Classification: Likely benign. Last evaluated: 2026-01-27. Review status: criteria provided, single submitter. Criteria: Invitae Variant Classification Sherloc (09022015). Collection method: clinical testing. Allele origin: germline.

PreventionGenetics, part of Exact Sciences
Classification: Likely benign for SLC25A38-related condition. Last evaluated: 2025-01-24. Review status: criteria provided, single submitter. Criteria: ACMG Guidelines, 2015. Collection method: clinical testing. Allele origin: germline.
Comment: This variant is classified as likely benign based on ACMG/AMP sequence variant interpretation guidelines (Richards et al. 2015 PMID: 25741868, with internal and published modifications).

Blueprint Genetics
Classification: Likely benign. Last evaluated: 2024-11-22. Review status: criteria provided, single submitter. Criteria: ACMG Guidelines, 2015. Collection method: clinical testing. Allele origin: germline.

GeneDx
Classification: Likely benign. Last evaluated: 2019-03-18. Review status: criteria provided, single submitter. Criteria: GeneDx Variant Classification Process June 2021. Collection method: clinical testing. Allele origin: germline. Affected: yes.

NM_017875.4(SLC25A38):c.18T>G (p.Arg6=)

Genes: SLC25A38 (solute carrier family 25 member 38; plus strand), LOC129936510 (ATAC-STARR-seq lymphoblastoid active region 19704; plus strand). Cytogenetic location: 3p22.1.
Variant type: single nucleotide variant.
Coding change: c.18T>G on transcript NM_017875.4 (MANE Select); coding-DNA position 18, T replaced by G.
Protein change: p.Arg6=; no amino-acid change (arginine 6 retained).
Molecular consequence: synonymous variant.
Genome position (GRCh38, 1-based): chr3:39,383,742, T>G. VCF-style: chr3-39383742-T-G. GRCh37 (hg19) VCF-style: chr3-39425233-T-G.
Other names: c.18T>G, p.Arg6= (NM_001354798.2, LRG_1133t1).
Identifiers: ClinVar variation 389484 (VCV000389484.13), dbSNP rs139033679, ClinGen allele CA2327310.